The following is an entry in ClinVar:

ClinVar aggregate classification (germline): Likely pathogenic (1 of 4 stars; one submission).

Conditions:
Sandhoff disease. Also called: GM2-GANGLIOSIDOSIS, TYPE II; Beta-hexosaminidase-beta-subunit deficiency; GM2 gangliosidosis, type 2; Total hexosaminidase deficiency; Sandhoff-Jatzkewitz-Pilz disease; HEXOSAMINIDASES A AND B DEFICIENCY. Identifiers: Orphanet 796, MedGen C0036161, MONDO:0010006, OMIM 268800.

Submission:

Myriad Genetics, Inc.
Classification: Likely pathogenic for Sandhoff disease. Last evaluated: 2020-02-09. Review status: criteria provided, single submitter. Criteria: Myriad Women's Health Autosomal Recessive and X-Linked Classification Criteria (2019). Collection method: clinical testing. Allele origin: unknown.
Comment: NM_000521.3(HEXB):c.1069G>T(E357*) is expected to be pathogenic in the context of Sandhoff disease. This variant is predicted to lead to an abnormal or absent protein product due to the creation of a premature termination codon in HEXB, a gene where loss-of-function variants are known to be pathogenic. Please note: this variant was assessed in the context of healthy population screening.

NM_000521.4(HEXB):c.1069G>T (p.Glu357Ter)

Gene: HEXB (hexosaminidase subunit beta; plus strand). Cytogenetic location: 5q13.3.
Variant type: single nucleotide variant.
Coding change: c.1069G>T on transcript NM_000521.4 (MANE Select); coding-DNA position 1069, G replaced by T.
Protein change: p.Glu357Ter; replaces glutamic acid 357 with a stop codon.
Molecular consequence: nonsense.
Genome position (GRCh38, 1-based): chr5:74,715,677, G>T. VCF-style: chr5-74715677-G-T. GRCh37 (hg19) VCF-style: chr5-74011502-G-T.
Other names: c.394G>T, p.Glu132Ter (NM_001292004.2); short protein forms E132*, E357*.
Identifiers: ClinVar variation 984367 (VCV000984367.3), dbSNP rs1354786875, ClinGen allele CA360068919.